The following is an entry in ClinVar:

ClinVar aggregate classification (germline): Pathogenic. Review status: criteria provided, multiple submitters, no conflicts (2 of 4 stars). 2 submissions from 2 submitters: Pathogenic (2). Last evaluated 2026-01-26.

Conditions:
Hereditary cancer-predisposing syndrome. Also called: Hereditary neoplastic syndrome; Neoplastic Syndromes, Hereditary; Hereditary Cancer Syndrome; Tumor predisposition. Identifiers: Orphanet 140162, MedGen C0027672, MeSH D009386, MONDO:0015356.
Multiple endocrine neoplasia type 4. Also called: MULTIPLE ENDOCRINE NEOPLASIA, TYPE IV. Identifiers: Orphanet 276152, MedGen C1970712, MONDO:0012552, OMIM 610755.

Submissions (2):

Labcorp Genetics (formerly Invitae), Labcorp
Classification: Pathogenic for Multiple endocrine neoplasia type 4. Last evaluated: 2026-01-26. Review status: criteria provided, single submitter. Criteria: Invitae Variant Classification Sherloc (09022015). Collection method: clinical testing. Allele origin: germline.
Comment: This sequence change creates a premature translational stop signal (p.Leu130Glyfs*5) in the CDKN1B gene. It is expected to result in an absent or disrupted protein product. Loss-of-function variants in CDKN1B are known to be pathogenic (PMID: 17030811, 24819502). This variant is not present in population databases (gnomAD no frequency). This variant has not been reported in the literature in individuals affected with CDKN1B-related conditions. ClinVar contains an entry for this variant (Variation ID: 1413501). For these reasons, this variant has been classified as Pathogenic.

Ambry Genetics
Classification: Pathogenic for Hereditary cancer-predisposing syndrome. Last evaluated: 2023-03-06. Review status: criteria provided, single submitter. Criteria: Ambry Variant Classification Scheme 2023. Collection method: clinical testing. Allele origin: germline.
Comment: The c.388_392delTTGGT pathogenic mutation, located in coding exon 1 of the CDKN1B gene, results from a deletion of 5 nucleotides at nucleotide positions 388 to 392, causing a translational frameshift with a predicted alternate stop codon (p.L130Gfs*5). This variant is considered to be rare based on population cohorts in the Genome Aggregation Database (gnomAD). This alteration is expected to result in loss of function by premature protein truncation or nonsense-mediated mRNA decay. As such, this alteration is interpreted as a disease-causing mutation.

Literature cited by the submitters: PubMed 17030811 (cited by Labcorp Genetics (formerly Invitae), Labcorp); PubMed 24819502 (cited by Labcorp Genetics (formerly Invitae), Labcorp).

NM_004064.5(CDKN1B):c.388_392del (p.Leu130fs)

Gene: CDKN1B (cyclin dependent kinase inhibitor 1B; plus strand). Cytogenetic location: 12p13.1.
Variant type: Deletion.
Coding change: c.388_392del on transcript NM_004064.5 (MANE Select); coding-DNA positions 388 to 392, 5 bases deleted (TTGGT; older notation c.388_392delTTGGT).
Protein change: p.Leu130fs; shifts the reading frame from leucine 130.
Molecular consequence: frameshift variant.
Genome position (GRCh38, 1-based): chr12:12,718,227-12,718,231, TTGGT deleted; deleting any 5 consecutive bases within chr12:12,718,226-12,718,231 gives the same sequence; the c. name uses the placement nearest the transcript's 3' end. VCF-style (leftmost placement, unchanged base first): chr12-12718225-ATTTGG-A. GRCh37 (hg19) VCF-style: chr12-12871159-ATTTGG-A.
Other names: c.388_392delTTGGT (NM_004064.3); short protein forms L130fs.
Identifiers: ClinVar variation 1413501 (VCV001413501.9), dbSNP rs2136356377, ClinGen allele CA2573147864.
Genomic context (GRCh38, chr12:12,718,225, plus strand): 5'-TCAGCGGGAGCCGCCCGGCGGCGCCTTTAATTGGGGCTCCGGCTAACTCTGAGGACACGC[ATTTGG>A]TGGACCCAAAGACTGATCCGTCGGACAGCCAGACGGGGTTAGCGGAGCAATGCGCAGGAA-3'